The following is an entry in ClinVar:

ClinVar aggregate classification (germline): Uncertain significance (1 of 4 stars; one submission).

gnomAD v4.1: 1 of 1,609,508 alleles (0.000062%); highest among the groups gnomAD compares: Non-Finnish European, 0.000085%; no homozygotes.

Submission:

Labcorp Genetics (formerly Invitae), Labcorp
Classification: Uncertain significance. Last evaluated: 2025-08-30. Review status: criteria provided, single submitter. Criteria: Invitae Variant Classification Sherloc (09022015). Collection method: clinical testing. Allele origin: germline.
Comment: This sequence change replaces lysine, which is basic and polar, with arginine, which is basic and polar, at codon 122 of the FOCAD protein (p.Lys122Arg). This variant is not present in population databases (gnomAD no frequency). This variant has not been reported in the literature in individuals affected with FOCAD-related conditions. An algorithm developed to predict the effect of missense changes on protein structure and function outputs the following: PolyPhen-2: "Not Available". The arginine amino acid residue is found in multiple mammalian species, which suggests that this missense change does not adversely affect protein function. In summary, the available evidence is currently insufficient to determine the role of this variant in disease. Therefore, it has been classified as a Variant of Uncertain Significance.

NM_001375567.1(FOCAD):c.365A>G (p.Lys122Arg)

Gene: FOCAD (focadhesin; plus strand). Cytogenetic location: 9p21.3.
Variant type: single nucleotide variant.
Coding change: c.365A>G on transcript NM_001375567.1 (MANE Select); coding-DNA position 365, A replaced by G.
Protein change: p.Lys122Arg; replaces lysine 122 with arginine.
Molecular consequence: missense variant. On other transcripts: intron variant (1).
Genome position (GRCh38, 1-based): chr9:20,740,313, A>G. VCF-style: chr9-20740313-A-G. GRCh37 (hg19) VCF-style: chr9-20740312-A-G.
Other names: c.365A>G, p.Lys122Arg (NM_001375568.1, NM_017794.5); c.288-17777A>G (NM_001375570.1); short protein forms K122R.
Identifiers: ClinVar variation 4719299 (VCV004719299.1).